The following is an entry in ClinVar:

NM_145046.5(CALR3):c.860C>T (p.Thr287Met)

Gene: CALR3 (calreticulin 3; minus strand). Cytogenetic location: 19p13.11.
Variant type: single nucleotide variant.
Coding change: c.860C>T on transcript NM_145046.5 (MANE Select); coding-DNA position 860, C replaced by T.
Protein change: p.Thr287Met; replaces threonine 287 with methionine.
Molecular consequence: missense variant.
Genome position (GRCh38, 1-based): chr19:16,482,508, G>A on the plus strand (C>T on the coding strand, the complement: CALR3 is on the minus strand). VCF-style: chr19-16482508-G-A. GRCh37 (hg19) VCF-style: chr19-16593319-G-A.
Other names: short protein forms T287M.
Identifiers: ClinVar variation 2149510 (VCV002149510.4), dbSNP rs772912504, ClinGen allele CA9278255.
Genomic context (GRCh38, chr19:16,482,508, plus strand): 5'-ACCTGCCAAAGCTCCAGGCCAATGGCACCAATGTTCTCAAATTCTGAGAGGTCATACTGC[G>A]TCAAATAGTCGGTATTCTTCATCTTACGGTGGAGCCAGACGTCTTTATGAATACCTTCTG-3'
Protein context (NP_659483.2, residues 277-297): HRKMKNTDYL[Thr287Met]QYDLSEFENI

ClinVar aggregate classification (germline): Uncertain significance (1 of 4 stars; one submission).

Conditions:
Hypertrophic cardiomyopathy 19. Also called: Familial hypertrophic cardiomyopathy 19. Identifiers: MedGen CN077603, MONDO:0013476.

Allele frequency attached by ClinVar (database versions not stated): gnomAD 0.00001; TOPMed 0.00001; ExAC 0.00002.
gnomAD v4.1: 13 of 1,614,084 alleles (0.00081%); highest among the groups gnomAD compares: South Asian, 0.0044%; no homozygotes.

Submission:

Labcorp Genetics (formerly Invitae), Labcorp
Classification: Uncertain significance for Hypertrophic cardiomyopathy 19. Last evaluated: 2025-01-12. Review status: criteria provided, single submitter. Criteria: Invitae Variant Classification Sherloc (09022015). Collection method: clinical testing. Allele origin: germline.
Comment: This sequence change replaces threonine, which is neutral and polar, with methionine, which is neutral and non-polar, at codon 287 of the CALR3 protein (p.Thr287Met). This variant is present in population databases (rs772912504, gnomAD 0.006%). This missense change has been observed in individual(s) with hypertrophic cardiomyopathy and/or sudden cardiac arrest (PMID: 29988065, 34127479). ClinVar contains an entry for this variant (Variation ID: 2149510). Invitae Evidence Modeling of protein sequence and biophysical properties (such as structural, functional, and spatial information, amino acid conservation, physicochemical variation, residue mobility, and thermodynamic stability) indicates that this missense variant is not expected to disrupt CALR3 protein function with a negative predictive value of 80%. In summary, the available evidence is currently insufficient to determine the role of this variant in disease. Therefore, it has been classified as a Variant of Uncertain Significance.

Literature cited by the submitters: PubMed 29988065; PubMed 34127479.